The following is an entry in ClinVar:

ClinVar aggregate classification (germline): Uncertain significance (1 of 4 stars; one submission).

Conditions:
Cardiovascular phenotype. Identifiers: MedGen CN230736.

Submission:

Ambry Genetics
Classification: Uncertain significance for Cardiovascular phenotype. Last evaluated: 2024-10-19. Review status: criteria provided, single submitter. Criteria: Ambry Variant Classification Scheme 2023. Collection method: clinical testing. Allele origin: germline.
Comment: The p.F23L variant (also known as c.69C>G), located in coding exon 2 of the SCN4B gene, results from a C to G substitution at nucleotide position 69. The phenylalanine at codon 23 is replaced by leucine, an amino acid with highly similar properties. This amino acid position is conserved. In addition, the in silico prediction for this alteration is inconclusive. Based on the available evidence, the clinical significance of this variant remains unclear.

NM_174934.4(SCN4B):c.69C>G (p.Phe23Leu)

Genes: SCN4B (sodium voltage-gated channel beta subunit 4; minus strand), LOC130006838 (ATAC-STARR-seq lymphoblastoid active region 5583; plus strand). Cytogenetic location: 11q23.3.
Variant type: single nucleotide variant.
Coding change: c.69C>G on transcript NM_174934.4 (MANE Select); coding-DNA position 69, C replaced by G.
Protein change: p.Phe23Leu; replaces phenylalanine 23 with leucine.
Molecular consequence: missense variant. On other transcripts: 5 prime UTR variant (1), non-coding transcript variant (1), intron variant (1).
Genome position (GRCh38, 1-based): chr11:118,145,222, G>C on the plus strand (C>G on the coding strand, the complement: SCN4B is on the minus strand). VCF-style: chr11-118145222-G-C. GRCh37 (hg19) VCF-style: chr11-118015937-G-C.
Other names: c.-262C>G (NM_001142349.2); c.62-3886C>G (NM_001142348.2); short protein forms F23L.
Identifiers: ClinVar variation 3438243 (VCV003438243.1).